The following is an entry in ClinVar:

ClinVar aggregate classification (germline): Likely benign (1 of 4 stars; one submission).

Allele frequency attached by ClinVar (database versions not stated): TOPMed 0.00006; 1000 Genomes Project 30x 0.00016; 1000 Genomes Project 0.00020.
gnomAD v4.1: 111 of 1,613,580 alleles (0.0069%); highest among the groups gnomAD compares: South Asian, 0.016%; no homozygotes.

Submission:

CeGaT Center for Human Genetics Tuebingen
Classification: Likely benign. Last evaluated: 2022-06-01. Review status: criteria provided, single submitter. Criteria: CeGaT Center For Human Genetics Tuebingen Variant Classification Criteria Version 2. Collection method: clinical testing. Allele origin: germline. Affected: yes. Observed: 1 variant allele.
Comment: RBFOX2: BP4, BP7

NM_001349999.2(RBFOX2):c.1065G>A (p.Ala355=)

Gene: RBFOX2 (RNA binding fox-1 homolog 2; minus strand). Cytogenetic location: 22q12.3.
Variant type: single nucleotide variant.
Coding change: c.1065G>A on transcript NM_001349999.2 (MANE Select); coding-DNA position 1065, G replaced by A.
Protein change: p.Ala355=; no amino-acid change (alanine 355 retained).
Molecular consequence: synonymous variant.
Genome position (GRCh38, 1-based): chr22:35,759,920, C>T on the plus strand (G>A on the coding strand, the complement: RBFOX2 is on the minus strand). VCF-style: chr22-35759920-C-T. GRCh37 (hg19) VCF-style: chr22-36155967-C-T.
Other names: c.864G>A, p.Ala288= (NM_001031695.4, NM_001082577.3, NM_001349998.2); c.852G>A, p.Ala284= (NM_001082576.3, NM_001349983.2); c.1077G>A, p.Ala359= (NM_001082578.4); c.1074G>A, p.Ala358= (NM_001082579.3); c.918G>A, p.Ala306= (NM_001349982.2, NM_001349990.2, NM_001349994.2 and 1 more transcripts); c.930G>A, p.Ala310= (NM_001349989.2, NM_001349991.2, NM_001349992.2); c.837G>A, p.Ala279= (NM_001349995.2); c.867G>A, p.Ala289= (NM_001349997.2); and 5 more.
Identifiers: ClinVar variation 2653095 (VCV002653095.24), dbSNP rs192785410, ClinGen allele CA10206785.